The following is an entry in ClinVar:

NM_001009944.3(PKD1):c.12161C>T (p.Ser4054Phe)

Gene: PKD1 (polycystin 1, transient receptor potential channel interacting; minus strand). Cytogenetic location: 16p13.3.
Variant type: single nucleotide variant.
Coding change: c.12161C>T on transcript NM_001009944.3 (MANE Select); coding-DNA position 12161, C replaced by T.
Protein change: p.Ser4054Phe; replaces serine 4054 with phenylalanine.
Molecular consequence: missense variant.
Genome position (GRCh38, 1-based): chr16:2,090,568, G>A on the plus strand (C>T on the coding strand, the complement: PKD1 is on the minus strand). VCF-style: chr16-2090568-G-A. GRCh37 (hg19) VCF-style: chr16-2140569-G-A.
Other names: c.12158C>T, p.Ser4053Phe (NM_000296.4); short protein forms S4053F, S4054F.
Identifiers: ClinVar variation 3233641 (VCV003233641.2), dbSNP rs767346332, ClinGen allele CA7828745.

ClinVar aggregate classification (germline): Uncertain significance (1 of 4 stars; one submission).

Allele frequency attached by ClinVar (database versions not stated): TOPMed below 0.00001; gnomAD 0.00001.
gnomAD v4.1: 15 of 1,608,978 alleles (0.00093%); highest among the groups gnomAD compares: Admixed American, 0.0017%; no homozygotes.

Submission:

Women's Health and Genetics/Laboratory Corporation of America, LabCorp
Classification: Uncertain significance. Last evaluated: 2024-03-06. Review status: criteria provided, single submitter. Criteria: LabCorp Variant Classification Summary - May 2015. Collection method: clinical testing. Allele origin: germline.
Comment: Variant summary: PKD1 c.12161C>T (p.Ser4054Phe) results in a non-conservative amino acid change located in the Polycystin cation channel domain (IPR013122) of the encoded protein sequence. Three of five in-silico tools predict a damaging effect of the variant on protein function. The variant allele was found at a frequency of 8.3e-06 in 240652 control chromosomes (gnomAD). c.12161C>T has been reported in the literature in heterozygous sate in individuals affected with Polycystic Kidney Disease (Audrezet_2016, Hwang_2016), however one of these reports described a mild phenotype in heterozygous individuals and a more severe phenotype in a compound heterozygous individual (Hwang_2016), suggesting that the variant might represent a hypomorphic allele. These data indicate that the variant may be associated with disease. To our knowledge, no experimental evidence demonstrating an impact on protein function has been reported. No submitters have cited clinical-significance assessments for this variant to ClinVar. Based on the evidence outlined above, the variant was classified as VUS-possibly pathogenic.

Literature cited by the submitters: PubMed 26139440; PubMed 26453610.